The following is an entry in ClinVar:

NM_032119.4(ADGRV1):c.12906C>A (p.Tyr4302Ter)

Gene: ADGRV1 (adhesion G protein-coupled receptor V1; plus strand). Cytogenetic location: 5q14.3.
Variant type: single nucleotide variant.
Coding change: c.12906C>A on transcript NM_032119.4 (MANE Select); coding-DNA position 12906, C replaced by A.
Protein change: p.Tyr4302Ter; replaces tyrosine 4302 with a stop codon.
Molecular consequence: nonsense. On other transcripts: non-coding transcript variant (1).
Genome position (GRCh38, 1-based): chr5:90,778,921, C>A. VCF-style: chr5-90778921-C-A. GRCh37 (hg19) VCF-style: chr5-90074738-C-A.
Other names: short protein forms Y4302*.
Identifiers: ClinVar variation 2740376 (VCV002740376.3), dbSNP rs1561712232, ClinGen allele CA360389192.
Genomic context (GRCh38, chr5:90,778,921, plus strand): 5'-ATAGGTTAACATCACAATCATCCGTTCCAGTGGAGATTTTGGCCATGTGCGACTCTGGTA[C>A]AAGACGATGAGCGGGACAGCGGAAGCAGGCTTGGATTTTGTTCCTGCAGCAGGGGAGCTC-3'

ClinVar aggregate classification (germline): Pathogenic (1 of 4 stars; one submission).

gnomAD v4.1: 1 of 1,613,432 alleles (0.000062%); highest among the groups gnomAD compares: Non-Finnish European, 0.000085%; no homozygotes.

Submission:

Labcorp Genetics (formerly Invitae), Labcorp
Classification: Pathogenic. Last evaluated: 2023-07-10. Review status: criteria provided, single submitter. Criteria: Invitae Variant Classification Sherloc (09022015). Collection method: clinical testing. Allele origin: germline.
Comment: This sequence change creates a premature translational stop signal (p.Tyr4302*) in the ADGRV1 gene. It is expected to result in an absent or disrupted protein product. Loss-of-function variants in ADGRV1 are known to be pathogenic (PMID: 19357117, 22135276, 22147658, 26226137, 30718709, 31047384, 32467589). This variant is not present in population databases (gnomAD no frequency). This variant has not been reported in the literature in individuals affected with ADGRV1-related conditions. Algorithms developed to predict the effect of sequence changes on RNA splicing suggest that this variant may disrupt the consensus splice site. For these reasons, this variant has been classified as Pathogenic.

Literature cited by the submitters: PubMed 19357117; PubMed 22135276; PubMed 22147658; PubMed 26226137; PubMed 30718709; PubMed 31047384; PubMed 32467589.